The following is an entry in ClinVar:

NM_018972.4(GDAP1):c.680A>G (p.Asn227Ser)

Gene: GDAP1 (ganglioside induced differentiation associated protein 1; plus strand). Cytogenetic location: 8q21.11.
Variant type: single nucleotide variant.
Coding change: c.680A>G on transcript NM_018972.4 (MANE Select); coding-DNA position 680, A replaced by G.
Protein change: p.Asn227Ser; replaces asparagine 227 with serine.
Molecular consequence: missense variant.
Genome position (GRCh38, 1-based): chr8:74,363,039, A>G. VCF-style: chr8-74363039-A-G. GRCh37 (hg19) VCF-style: chr8-75275274-A-G.
Other names: c.476A>G, p.Asn159Ser (NM_001040875.4); c.353A>G, p.Asn118Ser (NM_001362929.2, NM_001362932.2); c.506A>G, p.Asn169Ser (NM_001362930.2); c.680A>G, p.Asn227Ser (NM_001362931.2); short protein forms N159S, N169S, N227S, N118S.
Identifiers: ClinVar variation 641738 (VCV000641738.8), dbSNP rs1026680509, ClinGen allele CA179735331.

ClinVar aggregate classification (germline): Uncertain significance (1 of 4 stars; one submission).

Conditions:
Charcot-Marie-Tooth disease type 4A. Also called: Charcot-Marie-Tooth disease, demyelinating, autosomal recessive, type 4a. Identifiers: Orphanet 99948, MedGen C1859198, MONDO:0008961, OMIM 214400.

Allele frequency attached by ClinVar (database versions not stated): gnomAD 0.00001.
gnomAD v4.1: 3 of 1,463,190 alleles (0.00021%); highest among the groups gnomAD compares: African/African-American, 0.0042%; no homozygotes.

Submission:

Labcorp Genetics (formerly Invitae), Labcorp
Classification: Uncertain significance for Charcot-Marie-Tooth disease type 4A. Last evaluated: 2018-10-16. Review status: criteria provided, single submitter. Criteria: Invitae Variant Classification Sherloc (09022015). Collection method: clinical testing. Allele origin: germline.
Comment: In summary, the available evidence is currently insufficient to determine the role of this variant in disease. Therefore, it has been classified as a Variant of Uncertain Significance. Algorithms developed to predict the effect of missense changes on protein structure and function (SIFT, PolyPhen-2, Align-GVGD) all suggest that this variant is likely to be tolerated, but these predictions have not been confirmed by published functional studies and their clinical significance is uncertain. This variant has not been reported in the literature in individuals with GDAP1-related disease. This variant is not present in population databases (ExAC no frequency). This sequence change replaces asparagine with serine at codon 227 of the GDAP1 protein (p.Asn227Ser). The asparagine residue is moderately conserved and there is a small physicochemical difference between asparagine and serine.